The following is an entry in ClinVar:

NM_144672.4(OTOA):c.2945T>C (p.Leu982Pro)

Gene: OTOA (otoancorin). Cytogenetic location: 16p12.2.
Variant type: single nucleotide variant.
Coding change: c.2945T>C on transcript NM_144672.4 (MANE Select); coding-DNA position 2945, T replaced by C.
Protein change: p.Leu982Pro; replaces leucine 982 with proline.
Molecular consequence: missense variant.
Genome position (GRCh38, 1-based): chr16:21,752,395, T>C. VCF-style: chr16-21752395-T-C. GRCh37 (hg19) VCF-style: chr16-21763716-T-C.
Other names: c.2708T>C, p.Leu903Pro (NM_001161683.2); c.1973T>C, p.Leu658Pro (NM_170664.3); short protein forms L658P, L982P, L903P.
Identifiers: ClinVar variation 2367248 (VCV002367248.4), dbSNP rs775666721, ClinGen allele CA7953009.

ClinVar aggregate classification (germline): Uncertain significance. Review status: criteria provided, multiple submitters, no conflicts (2 of 4 stars). 2 submissions from 2 submitters: Uncertain significance (2). Last evaluated 2026-07-08.

Conditions:
OTOA-related disorder. Also called: OTOA-related condition.
Inborn genetic diseases. Identifiers: MedGen C0950123, MeSH D030342.

Allele frequency attached by ClinVar (database versions not stated): gnomAD 0.00005; gnomAD exomes 0.00010; ExAC 0.00031.
gnomAD v4.1: 49 of 484,998 alleles (0.01%); highest among the groups gnomAD compares: Non-Finnish European, 0.015%; 7 homozygotes.

Submissions (2):

PreventionGenetics, part of Exact Sciences
Classification: Uncertain significance for OTOA-related condition. Last evaluated: 2026-07-08. Review status: criteria provided, single submitter. Criteria: ACMG Guidelines, 2015. Collection method: clinical testing. Allele origin: germline.
Comment: The OTOA c.2945T>C variant is predicted to result in the amino acid substitution p.Leu982Pro. To our knowledge, this variant has not been reported in the literature. This variant is reported in 0.024% of alleles in individuals of European (Non-Finnish) descent in gnomAD, including one homozygote. However, NGS based population allele frequency estimates at this locus may be unreliable due to paralogy. At this time, the clinical significance of this variant is uncertain due to the absence of conclusive functional and genetic evidence.

Ambry Genetics
Classification: Uncertain significance for Inborn genetic diseases. Last evaluated: 2025-10-07. Review status: criteria provided, single submitter. Criteria: Ambry Variant Classification Scheme 2023. Collection method: clinical testing. Allele origin: germline.